The following is an entry in ClinVar:

NM_003126.4(SPTA1):c.1643A>G (p.Tyr548Cys)

Gene: SPTA1 (spectrin alpha, erythrocytic 1; minus strand). Cytogenetic location: 1q23.1.
Variant type: single nucleotide variant.
Coding change: c.1643A>G on transcript NM_003126.4 (MANE Select); coding-DNA position 1643, A replaced by G.
Protein change: p.Tyr548Cys; replaces tyrosine 548 with cysteine.
Molecular consequence: missense variant.
Genome position (GRCh38, 1-based): chr1:158,669,743, T>C on the plus strand (A>G on the coding strand, the complement: SPTA1 is on the minus strand). VCF-style: chr1-158669743-T-C. GRCh37 (hg19) VCF-style: chr1-158639533-T-C.
Other names: short protein forms Y548C.
Identifiers: ClinVar variation 3363345 (VCV003363345.1).
Genomic context (GRCh38, chr1:158,669,743, plus strand): 5'-CAGAAGCTCTAGGCCCTTGGACATACCCCGTCACGGATAGCCTTGATGTTCTCTGAATCA[T>C]AATGGTCATCACCAATCAATTTGGTTGCAGTCTTGTCTACAGTCTGAAAAAATAAAAATA-3'
Protein context (NP_003117.2, residues 538-558): TATKLIGDDH[Tyr548Cys]DSENIKAIRD

ClinVar aggregate classification (germline): Uncertain significance (1 of 4 stars; one submission).

Submission:

GeneDx
Classification: Uncertain significance. Last evaluated: 2023-10-22. Review status: criteria provided, single submitter. Criteria: GeneDx Variant Classification Process June 2021. Collection method: clinical testing. Allele origin: germline. Affected: yes.
Comment: Has not been previously published as pathogenic or benign to our knowledge; Not observed at significant frequency in large population cohorts (gnomAD); In silico analysis supports that this missense variant has a deleterious effect on protein structure/function